The following is an entry in ClinVar:

NM_006514.4(SCN10A):c.3244A>G (p.Ser1082Gly)

Genes: SCN10A (sodium voltage-gated channel alpha subunit 10; minus strand), LOC110121288 (VISTA enhancer hs2268; plus strand). Cytogenetic location: 3p22.2.
Variant type: single nucleotide variant.
Coding change: c.3244A>G on transcript NM_006514.4 (MANE Select); coding-DNA position 3244, A replaced by G.
Protein change: p.Ser1082Gly; replaces serine 1082 with glycine.
Molecular consequence: missense variant.
Genome position (GRCh38, 1-based): chr3:38,723,538, T>C on the plus strand (A>G on the coding strand, the complement: SCN10A is on the minus strand). VCF-style: chr3-38723538-T-C. GRCh37 (hg19) VCF-style: chr3-38765029-T-C.
Other names: c.3241A>G, p.Ser1081Gly (NM_001293306.2); c.2950A>G, p.Ser984Gly (NM_001293307.2); short protein forms S1082G, S1081G, S984G.
Identifiers: ClinVar variation 4614880 (VCV004614880.1).

ClinVar aggregate classification (germline): Uncertain significance (1 of 4 stars; one submission).

Conditions:
Cardiovascular phenotype. Identifiers: MedGen CN230736.

gnomAD v4.1: 3 of 1,600,192 alleles (0.00019%); highest among the groups gnomAD compares: Non-Finnish European, 0.00026%; no homozygotes.

Submission:

Ambry Genetics
Classification: Uncertain significance for Cardiovascular phenotype. Last evaluated: 2025-10-27. Review status: criteria provided, single submitter. Criteria: Ambry Variant Classification Scheme 2023. Collection method: clinical testing. Allele origin: germline.
Comment: The p.S1082G variant (also known as c.3244A>G), located in coding exon 18 of the SCN10A gene, results from an A to G substitution at nucleotide position 3244. The serine at codon 1082 is replaced by glycine, an amino acid with similar properties. This amino acid position is conserved. In addition, the in silico prediction for this alteration is inconclusive. Based on the available evidence, the clinical significance of this variant remains unclear.